The following is an entry in ClinVar:

ClinVar aggregate classification (germline): Conflicting classifications of pathogenicity. Review status: criteria provided, conflicting classifications (1 of 4 stars). 6 submissions from 2 submitters: Uncertain significance (3); Benign (2); Likely benign (1). Last evaluated 2025-08-10.

Conditions:
Autosomal recessive limb-girdle muscular dystrophy type 2J (LGMDR10). Also called: Limb-girdle muscular dystrophy, type 2J; MUSCULAR DYSTROPHY, LIMB-GIRDLE, AUTOSOMAL RECESSIVE 10. Identifiers: Orphanet 140922, MedGen C1837342, MONDO:0012127, OMIM 608807.
Dilated cardiomyopathy 1G (CMD1G). Identifiers: Orphanet 154, MedGen C1858763, MONDO:0011400, OMIM 604145.
Myopathy, myofibrillar, 9, with early respiratory failure (MFM9). Also called: EDSTROM MYOPATHY; MYOPATHY, PROXIMAL, WITH EARLY RESPIRATORY MUSCLE INVOLVEMENT; Myopathy, distal, with early respiratory failure, autosomal dominant; Hereditary myopathy with early respiratory failure. Identifiers: Orphanet 178464, Orphanet 34521, MedGen C1863599, MONDO:0011362, OMIM 603689.
Tibial muscular dystrophy (TMD). Also called: Tibial muscular dystrophy, tardive; UDD MYOPATHY; Udd Distal Myopathy – Tibial Muscular Dystrophy. Identifiers: Orphanet 609, MedGen C1838244, MONDO:0010870, OMIM 600334.
Early-onset myopathy with fatal cardiomyopathy (CMYO5). Also called: CONGENITAL MYOPATHY 5 WITH CARDIOMYOPATHY; Salih Myopathy. Identifiers: Orphanet 289377, MedGen C2673677, MONDO:0012714, OMIM 611705. Disease mechanism: loss of function.

Allele frequency attached by ClinVar (database versions not stated): gnomAD exomes below 0.00001 and 0.00001; gnomAD 0.00001 and 0.00003; ExAC 0.00002; 1000 Genomes Project 0.00040; 1000 Genomes Project 30x 0.00047.
gnomAD v4.1: 9 of 1,610,470 alleles (0.00056%); highest among the groups gnomAD compares: African/African-American, 0.0027%; no homozygotes.

Submissions (6):

Labcorp Genetics (formerly Invitae), Labcorp
Classification: Likely benign for Dilated cardiomyopathy 1G; Autosomal recessive limb-girdle muscular dystrophy type 2J. Last evaluated: 2025-08-10. Review status: criteria provided, single submitter. Criteria: Invitae Variant Classification Sherloc (09022015). Collection method: clinical testing. Allele origin: germline.

Illumina Laboratory Services, Illumina
Classification: Uncertain significance for Autosomal recessive limb-girdle muscular dystrophy type 2J. Last evaluated: 2018-01-13. Review status: criteria provided, single submitter. Criteria: ICSL Variant Classification Criteria 13 December 2019. Collection method: clinical testing. Allele origin: germline.

Illumina Laboratory Services, Illumina
Classification: Uncertain significance for Early-onset myopathy with fatal cardiomyopathy. Last evaluated: 2018-01-13. Review status: criteria provided, single submitter. Criteria: ICSL Variant Classification Criteria 13 December 2019. Collection method: clinical testing. Allele origin: germline.

Illumina Laboratory Services, Illumina
Classification: Benign for Myopathy, myofibrillar, 9, with early respiratory failure. Last evaluated: 2018-01-13. Review status: criteria provided, single submitter. Criteria: ICSL Variant Classification Criteria 13 December 2019. Collection method: clinical testing. Allele origin: germline.
Comment: This variant was observed in the ICSL laboratory as part of a predisposition screen in an ostensibly healthy population. It had not been previously curated by ICSL or reported in the Human Gene Mutation Database (HGMD: prior to June 1st, 2018), and was therefore a candidate for classification through an automated scoring system. Utilizing variant allele frequency, disease prevalence and penetrance estimates, and inheritance mode, an automated score was calculated to assess if this variant is too frequent to cause the disease. Based on the score and internal cut-off values, a variant classified as benign is not then subjected to further curation. The score for this variant resulted in a classification of benign for this disease.

Illumina Laboratory Services, Illumina
Classification: Uncertain significance for Dilated cardiomyopathy 1G. Last evaluated: 2018-01-13. Review status: criteria provided, single submitter. Criteria: ICSL Variant Classification Criteria 13 December 2019. Collection method: clinical testing. Allele origin: germline.

Illumina Laboratory Services, Illumina
Classification: Benign for Tibial muscular dystrophy. Last evaluated: 2018-01-13. Review status: criteria provided, single submitter. Criteria: ICSL Variant Classification Criteria 13 December 2019. Collection method: clinical testing. Allele origin: germline.
Comment: the same text as in the submission from Illumina Laboratory Services, Illumina above.

NM_001267550.2(TTN):c.66552C>T (p.Gly22184=)

Genes: TTN (titin; minus strand), TTN-AS1 (TTN antisense RNA 1; plus strand). Cytogenetic location: 2q31.2.
Variant type: single nucleotide variant.
Coding change: c.66552C>T on transcript NM_001267550.2 (MANE Select); coding-DNA position 66552, C replaced by T.
Protein change: p.Gly22184=; no amino-acid change (glycine 22184 retained).
Molecular consequence: synonymous variant.
Genome position (GRCh38, 1-based): chr2:178,581,716, G>A on the plus strand (C>T on the coding strand, the complement: TTN is on the minus strand). VCF-style: chr2-178581716-G-A. GRCh37 (hg19) VCF-style: chr2-179446443-G-A.
Other names: c.61629C>T, p.Gly20543= (NM_001256850.1); c.39357C>T, p.Gly13119= (NM_003319.4); c.58848C>T, p.Gly19616= (NM_133378.4); c.39732C>T, p.Gly13244= (NM_133432.3); c.39933C>T, p.Gly13311= (NM_133437.4).
Identifiers: ClinVar variation 893515 (VCV000893515.12), dbSNP rs146502705, ClinGen allele CA1991484.